The following is an entry in ClinVar:

ClinVar aggregate classification (germline): Uncertain significance (1 of 4 stars; one submission).

Conditions:
Fanconi anemia complementation group J. Also called: BRIP1-Related Fanconi Anemia. Identifiers: Orphanet 84, MedGen C1836860, MONDO:0012187, OMIM 609054.
Familial cancer of breast. Also called: BREAST CANCER, FAMILIAL; hereditary breast carcinoma; Hereditary breast cancer. Identifiers: Orphanet 227535, MedGen C0346153, MONDO:0016419, OMIM 114480. Disease mechanism: loss of function.

Submission:

Labcorp Genetics (formerly Invitae), Labcorp
Classification: Uncertain significance for Familial cancer of breast; Fanconi anemia complementation group J. Last evaluated: 2023-11-17. Review status: criteria provided, single submitter. Criteria: Invitae Variant Classification Sherloc (09022015). Collection method: clinical testing. Allele origin: germline.
Comment: This sequence change replaces lysine, which is basic and polar, with arginine, which is basic and polar, at codon 345 of the BRIP1 protein (p.Lys345Arg). This variant is not present in population databases (gnomAD no frequency). This variant has not been reported in the literature in individuals affected with BRIP1-related conditions. ClinVar contains an entry for this variant (Variation ID: 1026990). Advanced modeling of protein sequence and biophysical properties (such as structural, functional, and spatial information, amino acid conservation, physicochemical variation, residue mobility, and thermodynamic stability) performed at Invitae indicates that this missense variant is not expected to disrupt BRIP1 protein function with a negative predictive value of 80%. In summary, the available evidence is currently insufficient to determine the role of this variant in disease. Therefore, it has been classified as a Variant of Uncertain Significance.

NM_032043.3(BRIP1):c.1034A>G (p.Lys345Arg)

Gene: BRIP1 (BRCA1 interacting DNA helicase 1; minus strand). Cytogenetic location: 17q23.2.
Variant type: single nucleotide variant.
Coding change: c.1034A>G on transcript NM_032043.3 (MANE Select); coding-DNA position 1034, A replaced by G.
Protein change: p.Lys345Arg; replaces lysine 345 with arginine.
Molecular consequence: missense variant.
Genome position (GRCh38, 1-based): chr17:61,801,359, T>C on the plus strand (A>G on the coding strand, the complement: BRIP1 is on the minus strand). VCF-style: chr17-61801359-T-C. GRCh37 (hg19) VCF-style: chr17-59878720-T-C.
Other names: short protein forms K345R.
Identifiers: ClinVar variation 1026990 (VCV001026990.9), dbSNP rs2077989830, ClinGen allele CA400484071.